The following is an entry in ClinVar:

ClinVar aggregate classification (germline): Uncertain significance (1 of 4 stars; one submission).

Allele frequency attached by ClinVar (database versions not stated): ExAC 0.00001; gnomAD 0.00001; gnomAD exomes 0.00001; TOPMed 0.00001.
gnomAD v4.1: 6 of 1,614,040 alleles (0.00037%); highest among the groups gnomAD compares: South Asian, 0.0033%; no homozygotes.

Submission:

Labcorp Genetics (formerly Invitae), Labcorp
Classification: Uncertain significance. Last evaluated: 2022-07-06. Review status: criteria provided, single submitter. Criteria: Invitae Variant Classification Sherloc (09022015). Collection method: clinical testing. Allele origin: germline.
Comment: This variant is present in population databases (rs751194742, gnomAD 0.006%). This sequence change replaces aspartic acid, which is acidic and polar, with asparagine, which is neutral and polar, at codon 247 of the RUSC2 protein (p.Asp247Asn). This variant has not been reported in the literature in individuals affected with RUSC2-related conditions. In summary, the available evidence is currently insufficient to determine the role of this variant in disease. Therefore, it has been classified as a Variant of Uncertain Significance. Algorithms developed to predict the effect of missense changes on protein structure and function (SIFT, PolyPhen-2, Align-GVGD) all suggest that this variant is likely to be tolerated. ClinVar contains an entry for this variant (Variation ID: 1496521).

NM_014806.5(RUSC2):c.739G>A (p.Asp247Asn)

Gene: RUSC2 (RUN and SH3 domain containing 2; plus strand). Cytogenetic location: 9p13.3.
Variant type: single nucleotide variant.
Coding change: c.739G>A on transcript NM_014806.5 (MANE Select); coding-DNA position 739, G replaced by A.
Protein change: p.Asp247Asn; replaces aspartic acid 247 with asparagine.
Molecular consequence: missense variant. On other transcripts: non-coding transcript variant (1), intron variant (1).
Genome position (GRCh38, 1-based): chr9:35,547,260, G>A. VCF-style: chr9-35547260-G-A. GRCh37 (hg19) VCF-style: chr9-35547257-G-A.
Other names: c.739G>A, p.Asp247Asn (NM_001135999.2); c.-620-7800G>A (NM_001330740.2); short protein forms D247N.
Identifiers: ClinVar variation 1496521 (VCV001496521.6), dbSNP rs751194742, ClinGen allele CA5043521.